The following is an entry in ClinVar:

ClinVar aggregate classification (germline): Uncertain significance. Review status: criteria provided, multiple submitters, no conflicts (2 of 4 stars). 2 submissions from 2 submitters: Uncertain significance (2). Last evaluated 2025-10-29.

Conditions:
Polycystic kidney disease 2 (PKD2). Also called: Polycystic Kidney Disease 2, Autosomal Dominant; POLYCYSTIC KIDNEY DISEASE 2 WITH OR WITHOUT POLYCYSTIC LIVER DISEASE; POLYCYSTIC KIDNEY DISEASE, ADULT, TYPE II. Identifiers: MedGen C2751306, MONDO:0013131, OMIM 613095.

Submissions (2):

Victorian Clinical Genetics Services, Murdoch Childrens Research Institute
Classification: Uncertain significance for Polycystic kidney disease 2. Last evaluated: 2025-10-29. Review status: criteria provided, single submitter. Criteria: ACMG Guidelines, 2015. Collection method: clinical testing. Allele origin: germline. Affected: yes.
Comment: This variant is classified as VUS-3B. Evidence in support of pathogenic classification: Variant is absent from gnomAD (v2, v3 and v4). Additional information: Variant is predicted to result in a missense amino acid change from Ile to Phe; This variant is heterozygous; This gene is associated with autosomal dominant disease; Alternative amino acid change(s) at the same position are present in gnomAD (Highest allele count: v4: 23 heterozygote(s), 0 homozygote(s)); Previous evidence of pathogenicity for this variant is inconclusive. This variant has been classified as a VUS by a clinical laboratory in ClinVar. Additionally, it has been reported in the literature in a Japanese ADPKD cohort (PMID: 24611717); No published evidence of segregation with disease has been identified for this variant; No published functional evidence has been identified for this variant; No comparable missense variants have previous evidence for pathogenicity; Variant is located in the annotated polycystin cation channel domain (DECIPHER); Missense variant with inconclusive in silico prediction and uninformative conservation; Loss of function is a known mechanism of disease in this gene and is associated with polycystic kidney disease 2 (MIM#613095); Inheritance information for this variant is not currently available in this individual.

MVZ Medizinische Genetik Mainz
Classification: Uncertain significance for Polycystic kidney disease 2. Last evaluated: 2023-06-28. Review status: criteria provided, single submitter. Criteria: UK Practice Guidelines For Variant Classification V4 01 2020. Collection method: clinical testing. Allele origin: germline. Inheritance: Autosomal dominant inheritance. Affected: yes. Observed: 1 variant allele.
Comment: ACMG Criteria: PM2_SUP,PP4

Literature cited by the submitters: PubMed 24611717 (cited by Victorian Clinical Genetics Services, Murdoch Childrens Research Institute).

NM_000297.4(PKD2):c.1432A>T (p.Ile478Phe)

Gene: PKD2 (polycystin 2, transient receptor potential cation channel; plus strand). Cytogenetic location: 4q22.1.
Variant type: single nucleotide variant.
Coding change: c.1432A>T on transcript NM_000297.4 (MANE Select); coding-DNA position 1432, A replaced by T.
Protein change: p.Ile478Phe; replaces isoleucine 478 with phenylalanine.
Molecular consequence: missense variant. On other transcripts: non-coding transcript variant (1).
Genome position (GRCh38, 1-based): chr4:88,046,754, A>T. VCF-style: chr4-88046754-A-T. GRCh37 (hg19) VCF-style: chr4-88967906-A-T.
Other names: short protein forms I478F.
Identifiers: ClinVar variation 3235961 (VCV003235961.2), dbSNP rs2475925373, ClinGen allele CA357619220.